The following is an entry in ClinVar:

NM_005359.6(SMAD4):c.1118_1120delinsA (p.Thr373fs)

Gene: SMAD4 (SMAD family member 4; plus strand). Cytogenetic location: 18q21.2.
Variant type: Indel.
Coding change: c.1118_1120delinsA on transcript NM_005359.6 (MANE Select); coding-DNA positions 1118 to 1120, CAG replaced by A.
Protein change: p.Thr373fs; shifts the reading frame from threonine 373.
Molecular consequence: frameshift variant. On other transcripts: non-coding transcript variant (2).
Genome position (GRCh38, 1-based): chr18:51,065,585-51,065,587, CAG replaced by A. VCF-style: chr18-51065585-CAG-A. GRCh37 (hg19) VCF-style: chr18-48591955-CAG-A.
Other names: c.1118_1120delinsA, p.Thr373fs (NM_001407041.1, NM_001407042.1, NM_001407043.1); short protein forms T373fs.
Identifiers: ClinVar variation 4850757 (VCV004850757.1).
Genomic context (GRCh38, chr18:51,065,585, plus strand): 5'-ACGTGGACCCTTCTGGAGGAGATCGCTTTTGTTTGGGTCAACTCTCCAATGTCCACAGGA[CAG>A]AAGCCATTGAGAGAGCAAGGTATTGATTGTATAGTCAGATAGTTACTTTAAAAAATTGAG-3'

ClinVar aggregate classification (germline): Likely pathogenic (1 of 4 stars; one submission).

Conditions:
Juvenile polyposis/hereditary hemorrhagic telangiectasia syndrome (JPHT). Also called: JP/HHT SYNDROME; JUVENILE POLYPOSIS WITH HEREDITARY HEMORRHAGIC TELANGIECTASIA; POLYPOSIS, GENERALIZED JUVENILE, WITH PULMONARY ARTERIOVENOUS MALFORMATION; TELANGIECTASIA, HEREDITARY HEMORRHAGIC, WITH JUVENILE POLYPOSIS COLI; Juvenile Polyposis Syndrome / Hereditary Hemorrhagic Telangiectasia (JPS/HHT). Identifiers: Orphanet 2929, MedGen C1832942, MONDO:0008278, OMIM 175050.

Submission:

Variantyx, Inc.
Classification: Likely pathogenic for Juvenile polyposis/hereditary hemorrhagic telangiectasia syndrome. Last evaluated: 2025-08-13. Review status: criteria provided, single submitter. Criteria: Variantyx Assertion Criteria 2022. Collection method: clinical testing. Allele origin: germline. Inheritance: Autosomal dominant inheritance. Affected: yes.
Comment: This is a frameshift variant in the SMAD4 gene (OMIM: 600993). Pathogenic variants in this gene have been associated with autosomal dominant juvenile polyposis/hereditary hemorrhagic telangiectasia syndrome. This variant introduces a premature termination codon in exon 9 out of 12 and is expected to result in loss of function, which is a known disease mechanism for SMAD4 in this disorder (PMID:16613914;15031030) (PVS1). This variant is absent from control populations (PM2) and it has not been reported in individuals with SMAD4-related disorders in the databases available for review. Based on the current evidence, this variant is classified as likely pathogenic for autosomal dominant juvenile polyposis/hereditary hemorrhagic telangiectasia syndrome.

Literature cited by the submitters: PubMed 16613914; PubMed 15031030.